The following is an entry in ClinVar:

NM_004380.3(CREBBP):c.1149G>A (p.Pro383=)

Gene: CREBBP (CREB binding lysine acetyltransferase; minus strand). Cytogenetic location: 16p13.3.
Variant type: single nucleotide variant.
Coding change: c.1149G>A on transcript NM_004380.3 (MANE Select); coding-DNA position 1149, G replaced by A.
Protein change: p.Pro383=; no amino-acid change (proline 383 retained).
Molecular consequence: synonymous variant.
Genome position (GRCh38, 1-based): chr16:3,793,453, C>T on the plus strand (G>A on the coding strand, the complement: CREBBP is on the minus strand). VCF-style: chr16-3793453-C-T. GRCh37 (hg19) VCF-style: chr16-3843454-C-T.
Other names: c.1149G>A, p.Pro383= (NM_001079846.1).
Identifiers: ClinVar variation 95023 (VCV000095023.86), dbSNP rs61759495, ClinGen allele CA148108.

ClinVar aggregate classification (germline): Conflicting classifications of pathogenicity. Review status: criteria provided, conflicting classifications (1 of 4 stars). 8 submissions from 8 submitters: Uncertain significance (1); Benign (3); Likely benign (3). 1 of the submissions does not count toward it. Last evaluated 2026-08-01.

Conditions:
CREBBP-related disorder. Also called: CREBBP-related disorders; CREBBP-related condition.
Rubinstein-Taybi syndrome (RSTS). Identifiers: Orphanet 783, MedGen C0035934, MONDO:0019188.
Inborn genetic diseases. Identifiers: MedGen C0950123, MeSH D030342.
Rubinstein-Taybi syndrome due to CREBBP mutations (RSTS1). Also called: RUBINSTEIN SYNDROME; CREBBP-Related Rubinstein-Taybi Syndrome; Rubinstein-Taybi syndrome 1; BROAD THUMB-HALLUX SYNDROME; BROAD THUMBS AND GREAT TOES, CHARACTERISTIC FACIES, AND IMPAIRED INTELLECTUAL DEVELOPMENT; RUBINSTEIN-TAYBI SYNDROME 1, INCOMPLETE. Identifiers: Orphanet 353277, Orphanet 783, MedGen C4551859, MONDO:0008393, OMIM 180849.

Allele frequency attached by ClinVar (database versions not stated): ExAC 0.00145; TOPMed 0.00151; gnomAD 0.00171 and 0.00177; 1000 Genomes Project 0.00200; ESP Exome Variant Server 0.00200; 1000 Genomes Project 30x 0.00234.
gnomAD v4.1: 2,674 of 1,614,070 alleles (0.17%); highest among the groups gnomAD compares: Admixed American, 0.34%; 12 homozygotes.

Submissions (8):

CeGaT Center for Human Genetics Tuebingen
Classification: Likely benign. Last evaluated: 2026-08-01. Review status: criteria provided, single submitter. Criteria: CeGaT Center For Human Genetics Tuebingen Variant Classification Criteria Version 2. Collection method: clinical testing. Allele origin: germline. Affected: yes. Observed: 16 variant alleles.
Comment: CREBBP: BP4, BP7, BS1

Labcorp Genetics (formerly Invitae), Labcorp
Classification: Benign for Rubinstein-Taybi syndrome. Last evaluated: 2026-01-21. Review status: criteria provided, single submitter. Criteria: Invitae Variant Classification Sherloc (09022015). Collection method: clinical testing. Allele origin: germline.

Blueprint Genetics
Classification: Likely benign. Last evaluated: 2024-11-27. Review status: criteria provided, single submitter. Criteria: ACMG Guidelines, 2015. Collection method: clinical testing. Allele origin: germline.

GeneDx
Classification: Benign. Last evaluated: 2019-03-04. Review status: criteria provided, single submitter. Criteria: GeneDx Variant Classification Process June 2021. Collection method: clinical testing. Allele origin: germline. Affected: yes.

Ambry Genetics
Classification: Likely benign for Inborn genetic diseases. Last evaluated: 2016-07-15. Review status: criteria provided, single submitter. Criteria: Ambry Variant Classification Scheme 2023. Collection method: clinical testing. Allele origin: germline.

Eurofins Ntd Llc (ga)
Classification: Benign. Last evaluated: 2013-05-28. Review status: criteria provided, single submitter. Criteria: EGL Classification Definitions 2015. Collection method: clinical testing. Allele origin: germline. Observed: 2 variant alleles, 2 heterozygotes.

Genetic Services Laboratory, University of Chicago
Classification: Uncertain significance for Rubinstein-Taybi syndrome. Last evaluated: 2013-02-08. Review status: criteria provided, single submitter. Criteria: ACMG Guidelines, 2007. Collection method: clinical testing. Allele origin: germline. Inheritance: Autosomal dominant inheritance.

PreventionGenetics, part of Exact Sciences
Classification: Benign for CREBBP-related condition. Last evaluated: 2019-04-18. Review status: no assertion criteria provided. Collection method: clinical testing. Allele origin: germline. Not counted in ClinVar's aggregate classification.
Comment: This variant is classified as benign based on ACMG/AMP sequence variant interpretation guidelines (Richards et al. 2015 PMID: 25741868, with internal and published modifications).